The following is an entry in ClinVar:

ClinVar aggregate classification (germline): Uncertain significance. Review status: criteria provided, multiple submitters, no conflicts (2 of 4 stars). 3 submissions from 3 submitters: Uncertain significance (3). Last evaluated 2025-02-07.

Conditions:
BBS7-related disorder. Also called: BBS7-related condition.
Inborn genetic diseases. Identifiers: MedGen C0950123, MeSH D030342.
Bardet-Biedl syndrome (BBS). Identifiers: Orphanet 110, MedGen C0752166, MONDO:0015229.

Allele frequency attached by ClinVar (database versions not stated): TOPMed below 0.00001; gnomAD 0.00001.
gnomAD v4.1: 1 of 1,613,494 alleles (0.000062%); highest among the groups gnomAD compares: African/African-American, 0.0013%; no homozygotes.

Submissions (3):

Ambry Genetics
Classification: Uncertain significance for Inborn genetic diseases. Last evaluated: 2025-02-07. Review status: criteria provided, single submitter. Criteria: Ambry Variant Classification Scheme 2023. Collection method: clinical testing. Allele origin: germline.

PreventionGenetics, part of Exact Sciences
Classification: Uncertain significance for BBS7-related condition. Last evaluated: 2024-12-13. Review status: criteria provided, single submitter. Criteria: ACMG Guidelines, 2015. Collection method: clinical testing. Allele origin: germline.
Comment: The BBS7 c.574G>C variant is predicted to result in the amino acid substitution p.Val192Leu. To our knowledge, this variant has not been reported in the literature or in a large population database (gnomAD), indicating this variant is rare. At this time, the clinical significance of this variant is uncertain due to the absence of conclusive functional and genetic evidence.

Labcorp Genetics (formerly Invitae), Labcorp
Classification: Uncertain significance for Bardet-Biedl syndrome. Last evaluated: 2021-12-13. Review status: criteria provided, single submitter. Criteria: Invitae Variant Classification Sherloc (09022015). Collection method: clinical testing. Allele origin: germline.
Comment: In summary, the available evidence is currently insufficient to determine the role of this variant in disease. Therefore, it has been classified as a Variant of Uncertain Significance. Algorithms developed to predict the effect of missense changes on protein structure and function (SIFT, PolyPhen-2, Align-GVGD) all suggest that this variant is likely to be tolerated. This variant has not been reported in the literature in individuals affected with BBS7-related conditions. This variant is not present in population databases (gnomAD no frequency). This sequence change replaces valine, which is neutral and non-polar, with leucine, which is neutral and non-polar, at codon 192 of the BBS7 protein (p.Val192Leu).

NM_176824.3(BBS7):c.574G>C (p.Val192Leu)

Gene: BBS7 (Bardet-Biedl syndrome 7; minus strand). Cytogenetic location: 4q27.
Variant type: single nucleotide variant.
Coding change: c.574G>C on transcript NM_176824.3 (MANE Select); coding-DNA position 574, G replaced by C.
Protein change: p.Val192Leu; replaces valine 192 with leucine.
Molecular consequence: missense variant.
Genome position (GRCh38, 1-based): chr4:121,855,516, C>G on the plus strand (G>C on the coding strand, the complement: BBS7 is on the minus strand). VCF-style: chr4-121855516-C-G. GRCh37 (hg19) VCF-style: chr4-122776671-C-G.
Other names: c.574G>C (NM_176824.2); c.574G>C, p.Val192Leu (NM_018190.4); short protein forms V192L.
Identifiers: ClinVar variation 1935564 (VCV001935564.6), dbSNP rs1333553284, ClinGen allele CA358066629.